The following is an entry in ClinVar:

NM_000093.5(COL5A1):c.3961G>A (p.Gly1321Arg)

Gene: COL5A1 (collagen type V alpha 1 chain; plus strand). Cytogenetic location: 9q34.3.
Variant type: single nucleotide variant.
Coding change: c.3961G>A on transcript NM_000093.5 (MANE Select); coding-DNA position 3961, G replaced by A.
Protein change: p.Gly1321Arg; replaces glycine 1321 with arginine.
Molecular consequence: missense variant.
Genome position (GRCh38, 1-based): chr9:134,814,851, G>A. VCF-style: chr9-134814851-G-A. GRCh37 (hg19) VCF-style: chr9-137706697-G-A.
Other names: c.3961G>A, p.Gly1321Arg (NM_001278074.1); c.3961G>A (NM_000093.3); short protein forms G1321R.
Identifiers: ClinVar variation 1002450 (VCV001002450.12), dbSNP rs1034436638, ClinGen allele CA201090838.

ClinVar aggregate classification (germline): Conflicting classifications of pathogenicity. Review status: criteria provided, conflicting classifications (1 of 4 stars). 3 submissions from 3 submitters: Uncertain significance (2); Likely benign (1). Last evaluated 2026-08-31.

Conditions:
Familial thoracic aortic aneurysm and aortic dissection (TAAD). Also called: Thoracic aortic aneurysms and dissections. Identifiers: Orphanet 91387, MedGen C4707243, MONDO:0019625.
Ehlers-Danlos syndrome, classic type, 1 (EDSCL1). Also called: Ehlers-Danlos syndrome, type 1; EDS I; EHLERS-DANLOS SYNDROME, GRAVIS TYPE; EHLERS-DANLOS SYNDROME, SEVERE CLASSIC TYPE; Ehlers-Danlos Syndrome, Classic Type, COL5A1-Related. Identifiers: MedGen C0268335, MONDO:0019567, OMIM 130000.

Allele frequency attached by ClinVar (database versions not stated): gnomAD exomes 0.00001; gnomAD 0.00001; TOPMed 0.00002.
gnomAD v4.1: 14 of 1,551,408 alleles (0.0009%); highest among the groups gnomAD compares: South Asian, 0.0059%; no homozygotes.

Submissions (3):

Ambry Genetics
Classification: Uncertain significance for Familial thoracic aortic aneurysm and aortic dissection. Last evaluated: 2026-08-31. Review status: criteria provided, single submitter. Criteria: Ambry Variant Classification Scheme 2023. Collection method: clinical testing. Allele origin: germline.
Comment: The p.G1321R variant (also known as c.3961G>A), located in coding exon 50 of the COL5A1 gene, results from a G to A substitution at nucleotide position 3961. The glycine at codon 1321 is replaced by arginine, an amino acid with dissimilar properties. This amino acid position is conserved. In addition, this alteration is predicted to be deleterious by in silico analysis. Based on the available evidence, the clinical significance of this variant remains unclear.

Labcorp Genetics (formerly Invitae), Labcorp
Classification: Likely benign for Ehlers-Danlos syndrome, classic type, 1. Last evaluated: 2025-08-29. Review status: criteria provided, single submitter. Criteria: Invitae Variant Classification Sherloc (09022015). Collection method: clinical testing. Allele origin: germline.

GeneDx
Classification: Uncertain significance. Last evaluated: 2023-06-14. Review status: criteria provided, single submitter. Criteria: GeneDx Variant Classification Process June 2021. Collection method: clinical testing. Allele origin: germline. Affected: yes.
Comment: Has not been previously published as pathogenic or benign to our knowledge; Not observed at significant frequency in large population cohorts (gnomAD); In silico analysis supports that this missense variant has a deleterious effect on protein structure/function; This variant is associated with the following publications: (PMID: 22696272)